The following is an entry in ClinVar:

NM_001042492.3(NF1):c.404_410del (p.Arg135fs)

Gene: NF1 (neurofibromin 1; plus strand). Cytogenetic location: 17q11.2.
Variant type: Deletion.
Coding change: c.404_410del on transcript NM_001042492.3 (MANE Select); coding-DNA positions 404 to 410, 7 bases deleted (GGAATTC; older notation c.404_410delGGAATTC).
Protein change: p.Arg135fs; shifts the reading frame from arginine 135.
Molecular consequence: frameshift variant.
Genome position (GRCh38, 1-based): chr17:31,163,301-31,163,307, GGAATTC deleted; deleting any 7 consecutive bases within chr17:31,163,298-31,163,307 gives the same sequence; the c. name uses the placement nearest the transcript's 3' end. VCF-style (leftmost placement, unchanged base first): chr17-31163297-CTTCGGAA-C. GRCh37 (hg19) VCF-style: chr17-29490315-CTTCGGAA-C.
Other names: c.404_410del, p.Arg135fs (NM_000267.4, NM_001128147.3); short protein forms R135fs.
Identifiers: ClinVar variation 4615708 (VCV004615708.1).

ClinVar aggregate classification (germline): Pathogenic (1 of 4 stars; one submission).

Conditions:
Cardiovascular phenotype. Identifiers: MedGen CN230736.
Hereditary cancer-predisposing syndrome. Also called: Neoplastic Syndromes, Hereditary; Tumor predisposition; Hereditary Cancer Syndrome; Hereditary neoplastic syndrome. Identifiers: Orphanet 140162, MedGen C0027672, MeSH D009386, MONDO:0015356.

Submission:

Ambry Genetics
Classification: Pathogenic for Cardiovascular phenotype; Hereditary cancer-predisposing syndrome. Last evaluated: 2025-10-23. Review status: criteria provided, single submitter. Criteria: Ambry Variant Classification Scheme 2023. Collection method: clinical testing. Allele origin: germline.
Comment: The c.404_410delGGAATTC pathogenic mutation, located in coding exon 4 of the NF1 gene, results from a deletion of 7 nucleotides at nucleotide positions 404 to 410, causing a translational frameshift with a predicted alternate stop codon (p.R135Lfs*28). This variant is considered to be rare based on population cohorts in the Genome Aggregation Database (gnomAD). This alteration is expected to result in loss of function by premature protein truncation or nonsense-mediated mRNA decay. As such, this alteration is interpreted as a disease-causing mutation.